The following is an entry in ClinVar:

NM_002529.4(NTRK1):c.1557C>T (p.Gly519=)

Gene: NTRK1 (neurotrophic receptor tyrosine kinase 1; plus strand). Cytogenetic location: 1q23.1.
Variant type: single nucleotide variant.
Coding change: c.1557C>T on transcript NM_002529.4 (MANE Select); coding-DNA position 1557, C replaced by T.
Protein change: p.Gly519=; no amino-acid change (glycine 519 retained).
Molecular consequence: synonymous variant.
Genome position (GRCh38, 1-based): chr1:156,876,135, C>T. VCF-style: chr1-156876135-C-T. GRCh37 (hg19) VCF-style: chr1-156845927-C-T.
Other names: c.1449C>T, p.Gly483= (NM_001007792.1); c.1539C>T, p.Gly513= (NM_001012331.2).
Identifiers: ClinVar variation 515301 (VCV000515301.44), dbSNP rs564775946, ClinGen allele CA1169381.

ClinVar aggregate classification (germline): Likely benign. Review status: criteria provided, multiple submitters, no conflicts (2 of 4 stars). 5 submissions from 5 submitters: Likely benign (5). Last evaluated 2026-01-17.

Conditions:
Inborn genetic diseases. Identifiers: MedGen C0950123, MeSH D030342.
Hereditary insensitivity to pain with anhidrosis (CIPA). Also called: hereditary sensory and autonomic neuropathy type 4; INSENSITIVITY TO PAIN, CONGENITAL, WITH ANHIDROSIS; NTRK1 Congenital Insensitivity to Pain with Anhidrosis; HSAN Type IV; FAMILIAL DYSAUTONOMIA, TYPE II; NEUROPATHY, CONGENITAL SENSORY, WITH ANHIDROSIS. Identifiers: Orphanet 642, MedGen C0020074, MONDO:0009746, OMIM 256800.

Allele frequency attached by ClinVar (database versions not stated): gnomAD 0.00005; TOPMed 0.00005; gnomAD exomes 0.00008; ExAC 0.00009; 1000 Genomes Project 30x 0.00016; 1000 Genomes Project 0.00020.
gnomAD v4.1: 79 of 1,614,190 alleles (0.0049%); highest among the groups gnomAD compares: East Asian, 0.038%; 1 homozygote.

Submissions (5):

Labcorp Genetics (formerly Invitae), Labcorp
Classification: Likely benign for Hereditary insensitivity to pain with anhidrosis. Last evaluated: 2026-01-17. Review status: criteria provided, single submitter. Criteria: Invitae Variant Classification Sherloc (09022015). Collection method: clinical testing. Allele origin: germline.

CeGaT Center for Human Genetics Tuebingen
Classification: Likely benign. Last evaluated: 2023-08-01. Review status: criteria provided, single submitter. Criteria: CeGaT Center For Human Genetics Tuebingen Variant Classification Criteria Version 2. Collection method: clinical testing. Allele origin: germline. Affected: yes. Observed: 1 variant allele.
Comment: NTRK1: BP4, BP7

Genome-Nilou Lab
Classification: Likely benign for Hereditary insensitivity to pain with anhidrosis. Last evaluated: 2023-04-11. Review status: criteria provided, single submitter. Criteria: ACMG Guidelines, 2015. Collection method: clinical testing. Allele origin: germline. Affected: no.

GeneDx
Classification: Likely benign. Last evaluated: 2020-03-13. Review status: criteria provided, single submitter. Criteria: GeneDx Variant Classification Process June 2021. Collection method: clinical testing. Allele origin: germline. Affected: yes.

Ambry Genetics
Classification: Likely benign for Inborn genetic diseases. Last evaluated: 2019-07-11. Review status: criteria provided, single submitter. Criteria: Ambry Variant Classification Scheme 2023. Collection method: clinical testing. Allele origin: germline.